The following is an entry in ClinVar:

NM_000639.3(FASLG):c.821C>T (p.Thr274Met)

Gene: FASLG (Fas ligand; plus strand). Cytogenetic location: 1q24.3.
Variant type: single nucleotide variant.
Coding change: c.821C>T on transcript NM_000639.3 (MANE Select); coding-DNA position 821, C replaced by T.
Protein change: p.Thr274Met; replaces threonine 274 with methionine.
Molecular consequence: missense variant. On other transcripts: 3 prime UTR variant (1).
Genome position (GRCh38, 1-based): chr1:172,665,991, C>T. VCF-style: chr1-172665991-C-T. GRCh37 (hg19) VCF-style: chr1-172635131-C-T.
Other names: c.*391C>T (NM_001302746.2); short protein forms T274M.
Identifiers: ClinVar variation 4804065 (VCV004804065.2).

ClinVar aggregate classification (germline): Uncertain significance. Review status: criteria provided, multiple submitters, no conflicts (2 of 4 stars). 2 submissions from 2 submitters: Uncertain significance (2). Last evaluated 2025-02-10.

Conditions:
Autoimmune lymphoproliferative syndrome type 1. Also called: AUTOIMMUNE LYMPHOPROLIFERATIVE SYNDROME, TYPE I, AUTOSOMAL DOMINANT. Identifiers: Orphanet 3261, MedGen C2717884, MONDO:0011158, OMIM 601859.

gnomAD v4.1: 20 of 1,614,026 alleles (0.0012%); highest among the groups gnomAD compares: Non-Finnish European, 0.0015%; no homozygotes.

Submissions (2):

Labcorp Genetics (formerly Invitae), Labcorp
Classification: Uncertain significance for Autoimmune lymphoproliferative syndrome. Last evaluated: 2025-02-10. Review status: criteria provided, single submitter. Criteria: Invitae Variant Classification Sherloc (09022015). Collection method: clinical testing. Allele origin: germline.
Comment: This sequence change replaces threonine, which is neutral and polar, with methionine, which is neutral and non-polar, at codon 274 of the FASLG protein (p.Thr274Met). This variant is not present in population databases (gnomAD no frequency). This variant has not been reported in the literature in individuals affected with FASLG-related conditions. Invitae Evidence Modeling of protein sequence and biophysical properties (such as structural, functional, and spatial information, amino acid conservation, physicochemical variation, residue mobility, and thermodynamic stability) indicates that this missense variant is expected to disrupt FASLG protein function with a positive predictive value of 80%. In summary, the available evidence is currently insufficient to determine the role of this variant in disease. Therefore, it has been classified as a Variant of Uncertain Significance.

Blueprint Genetics
Classification: Uncertain significance. Last evaluated: 2024-08-05. Review status: criteria provided, single submitter. Criteria: ACMG Guidelines, 2015. Collection method: clinical testing. Allele origin: germline.